The following is an entry in ClinVar:

ClinVar aggregate classification (germline): Uncertain significance. Review status: criteria provided, multiple submitters, no conflicts (2 of 4 stars). 5 submissions from 5 submitters: Uncertain significance (5). Last evaluated 2026-05-27.

Conditions:
Cardiovascular phenotype. Identifiers: MedGen CN230736.
Hypercholesterolemia, autosomal dominant, type B (FHCL2). Also called: Familial Hypercholesterolemia Type B; APOB-Related Familial Hypercholesterolemia, Autosomal Dominant; Familial hypercholesterolemia 2; APOLIPOPROTEIN B-100, FAMILIAL DEFECTIVE; APOLIPOPROTEIN B-100, FAMILIAL LIGAND-DEFECTIVE; HYPERCHOLESTEROLEMIA, FAMILIAL, DUE TO LIGAND-DEFECTIVE APOLIPOPROTEIN B. Identifiers: MedGen C1704417, MONDO:0007751, OMIM 144010.
Familial hypobetalipoproteinemia 1. Also called: APOB-Related Familial Hypobetalipoproteinemia; Hypobetalipoproteinemia, normotriglyceridemic; Acanthocytosis with hypobetalipoproteinemia. Identifiers: MedGen C4551990, MONDO:0014252, OMIM 615558.

Allele frequency attached by ClinVar (database versions not stated): TOPMed 0.00001.

Submissions (5):

Ambry Genetics
Classification: Uncertain significance for Cardiovascular phenotype. Last evaluated: 2026-05-27. Review status: criteria provided, single submitter. Criteria: Ambry Variant Classification Scheme 2023. Collection method: clinical testing. Allele origin: germline.
Comment: The p.L3037R variant (also known as c.9110T>G), located in coding exon 26 of the APOB gene, results from a T to G substitution at nucleotide position 9110. The leucine at codon 3037 is replaced by arginine, an amino acid with dissimilar properties. This variant was reported in individual(s) with features consistent with APOB-related familial hypercholesterolemia (external communication; Ambry internal data). This amino acid position is well conserved in available vertebrate species. In addition, the in silico prediction for this alteration is inconclusive. Based on the available evidence, the clinical significance of this variant remains unclear.

Molecular Diagnostic Laboratory for Inherited Cardiovascular Disease, Montreal Heart Institute
Classification: Uncertain significance for Cardiovascular phenotype. Last evaluated: 2026-03-27. Review status: criteria provided, single submitter. Criteria: ACMG Guidelines, 2015. Collection method: clinical testing. Allele origin: germline. Affected: yes.
Comment: PM2

Labcorp Genetics (formerly Invitae), Labcorp
Classification: Uncertain significance for Familial hypobetalipoproteinemia 1; Hypercholesterolemia, autosomal dominant, type B. Last evaluated: 2025-12-28. Review status: criteria provided, single submitter. Criteria: Invitae Variant Classification Sherloc (09022015). Collection method: clinical testing. Allele origin: germline.
Comment: This sequence change replaces leucine, which is neutral and non-polar, with arginine, which is basic and polar, at codon 3037 of the APOB protein (p.Leu3037Arg). This variant is not present in population databases (gnomAD no frequency). This variant has not been reported in the literature in individuals affected with APOB-related conditions. ClinVar contains an entry for this variant (Variation ID: 619614). Invitae Evidence Modeling of protein sequence and biophysical properties (such as structural, functional, and spatial information, amino acid conservation, physicochemical variation, residue mobility, and thermodynamic stability) indicates that this missense variant is not expected to disrupt APOB protein function with a negative predictive value of 95%. In summary, the available evidence is currently insufficient to determine the role of this variant in disease. Therefore, it has been classified as a Variant of Uncertain Significance.

Quest Diagnostics Nichols Institute San Juan Capistrano
Classification: Uncertain significance. Last evaluated: 2025-10-01. Review status: criteria provided, single submitter. Criteria: Quest Diagnostics criteria. Collection method: clinical testing. Allele origin: unknown.
Comment: The APOB c.9110T>G (p.Leu3037Arg) variant has not been reported in individuals with APOB-related conditions in the published literature. This variant has not been reported in large, multi-ethnic general populations (Genome Aggregation Database). Analysis of this variant using bioinformatics tools for the prediction of the effect of amino acid changes on protein structure and function yielded conflicting predictions that this variant is benign or damaging. Based on the available information, we are unable to determine the clinical significance of this variant.

GeneDx
Classification: Uncertain significance. Last evaluated: 2024-04-10. Review status: criteria provided, single submitter. Criteria: GeneDx Variant Classification Process June 2021. Collection method: clinical testing. Allele origin: germline. Affected: yes.
Comment: Has not been previously published as pathogenic or benign to our knowledge; Not observed at significant frequency in large population cohorts (gnomAD); In silico analysis supports that this missense variant has a deleterious effect on protein structure/function

NM_000384.3(APOB):c.9110T>G (p.Leu3037Arg)

Gene: APOB (apolipoprotein B; minus strand). Cytogenetic location: 2p24.1.
Variant type: single nucleotide variant.
Coding change: c.9110T>G on transcript NM_000384.3 (MANE Select); coding-DNA position 9110, T replaced by G.
Protein change: p.Leu3037Arg; replaces leucine 3037 with arginine.
Molecular consequence: missense variant.
Genome position (GRCh38, 1-based): chr2:21,007,758, A>C on the plus strand (T>G on the coding strand, the complement: APOB is on the minus strand). VCF-style: chr2-21007758-A-C. GRCh37 (hg19) VCF-style: chr2-21230630-A-C.
Other names: short protein forms L3037R.
Identifiers: ClinVar variation 619614 (VCV000619614.13), dbSNP rs1490729577, ClinGen allele CA345992418.